The following is an entry in ClinVar:

NM_024757.5(EHMT1):c.1368C>T (p.Leu456=)

Gene: EHMT1 (euchromatic histone lysine methyltransferase 1; plus strand). Cytogenetic location: 9q34.3.
Variant type: single nucleotide variant.
Coding change: c.1368C>T on transcript NM_024757.5 (MANE Select); coding-DNA position 1368, C replaced by T.
Protein change: p.Leu456=; no amino-acid change (leucine 456 retained).
Molecular consequence: synonymous variant.
Genome position (GRCh38, 1-based): chr9:137,754,290, C>T. VCF-style: chr9-137754290-C-T. GRCh37 (hg19) VCF-style: chr9-140648742-C-T.
Other names: p.Leu456=; c.1368C>T, p.Leu456= (NM_001145527.2, NM_001354611.2); c.1275C>T, p.Leu425= (NM_001354259.2, NM_001354612.2); c.1347C>T, p.Leu449= (NM_001354263.2).
Identifiers: ClinVar variation 65725 (VCV000065725.27), dbSNP rs45450992, ClinGen allele CA149286.

ClinVar aggregate classification (germline): Benign. Review status: criteria provided, multiple submitters, no conflicts (2 of 4 stars). 8 submissions from 8 submitters: Benign (7). 1 of the submissions does not count toward it. Last evaluated 2026-02-04.

Conditions:
Inborn genetic diseases. Identifiers: MedGen C0950123, MeSH D030342.
Kleefstra syndrome 1 (KLEFS1). Identifiers: Orphanet 261494, MedGen C0795833, MONDO:0027407, OMIM 610253.

Allele frequency attached by ClinVar (database versions not stated): ExAC 0.07142; 1000 Genomes Project 30x 0.05949; gnomAD exomes 0.07032 and 0.08398; TOPMed 0.07311; 1000 Genomes Project 0.05651; gnomAD 0.07185 and 0.07198; ESP Exome Variant Server 0.07819.
gnomAD v4.1: 133,633 of 1,613,744 alleles (8.3%); highest among the groups gnomAD compares: Middle Eastern, 16%; 6,156 homozygotes.

Submissions (8):

Labcorp Genetics (formerly Invitae), Labcorp
Classification: Benign for Kleefstra syndrome 1. Last evaluated: 2026-02-04. Review status: criteria provided, single submitter. Criteria: Invitae Variant Classification Sherloc (09022015). Collection method: clinical testing. Allele origin: germline.

Mayo Clinic Laboratories, Mayo Clinic
Classification: Benign. Last evaluated: 2021-11-29. Review status: criteria provided, single submitter. Criteria: ACMG Guidelines, 2015. Collection method: clinical testing. Allele origin: germline. Observed: 34 variant alleles.

GeneDx
Classification: Benign. Last evaluated: 2018-07-03. Review status: criteria provided, single submitter. Criteria: GeneDx Variant Classification Process June 2021. Collection method: clinical testing. Allele origin: germline. Affected: yes.

Ambry Genetics
Classification: Benign for Inborn genetic diseases. Last evaluated: 2016-03-11. Review status: criteria provided, single submitter. Criteria: Ambry Variant Classification Scheme 2023. Collection method: clinical testing. Allele origin: germline.

Eurofins Ntd Llc (ga)
Classification: Benign. Last evaluated: 2012-07-18. Review status: criteria provided, single submitter. Criteria: EGL Classification Definitions 2015. Collection method: clinical testing. Allele origin: germline. Observed: 5 variant alleles, 5 heterozygotes.

Breakthrough Genomics
Classification: Benign. Review status: criteria provided, single submitter. Criteria: ACMG Guidelines, 2015. Collection method: not provided. Allele origin: germline. Inheritance: Autosomal dominant inheritance. Affected: yes.

PreventionGenetics, part of Exact Sciences
Classification: Benign. Review status: criteria provided, single submitter. Criteria: ACMG Guidelines, 2015. Collection method: clinical testing. Allele origin: germline.

Genetic Services Laboratory, University of Chicago
Classification: Likely benign for AllHighlyPenetrant. Review status: no assertion criteria provided. Collection method: clinical testing. Allele origin: germline. Inheritance: Autosomal dominant inheritance. Not counted in ClinVar's aggregate classification.
Comment: Likely benign based on allele frequency in 1000 Genomes Project or ESP global frequency and its presence in a patient with a rare or unrelated disease phenotype. NOT Sanger confirmed.